The following is an entry in ClinVar:

ClinVar aggregate classification (germline): Uncertain significance (1 of 4 stars; one submission).

Conditions:
Exostoses, multiple, type 2 (EXT2). Also called: Hereditary Multiple Osteochondromatosis, Type II; EXOSTOSES, MULTIPLE, TYPE II. Identifiers: Orphanet 321, MedGen C1851413, MONDO:0007586, OMIM 133701.

Submission:

Labcorp Genetics (formerly Invitae), Labcorp
Classification: Uncertain significance for Exostoses, multiple, type 2. Last evaluated: 2023-08-04. Review status: criteria provided, single submitter. Criteria: Invitae Variant Classification Sherloc (09022015). Collection method: clinical testing. Allele origin: germline.
Comment: This sequence change replaces valine, which is neutral and non-polar, with aspartic acid, which is acidic and polar, at codon 534 of the EXT2 protein (p.Val534Asp). This variant has not been reported in the literature in individuals affected with EXT2-related conditions. ClinVar contains an entry for this variant (Variation ID: 1007114). Advanced modeling of protein sequence and biophysical properties (such as structural, functional, and spatial information, amino acid conservation, physicochemical variation, residue mobility, and thermodynamic stability) performed at Invitae indicates that this missense variant is expected to disrupt EXT2 protein function. In summary, the available evidence is currently insufficient to determine the role of this variant in disease. Therefore, it has been classified as a Variant of Uncertain Significance. This variant is not present in population databases (gnomAD no frequency).

NM_207122.2(EXT2):c.1601T>A (p.Val534Asp)

Gene: EXT2 (exostosin glycosyltransferase 2; plus strand). Cytogenetic location: 11p11.2.
Variant type: single nucleotide variant.
Coding change: c.1601T>A on transcript NM_207122.2 (MANE Select); coding-DNA position 1601, T replaced by A.
Protein change: p.Val534Asp; replaces valine 534 with aspartic acid.
Molecular consequence: missense variant.
Genome position (GRCh38, 1-based): chr11:44,206,898, T>A. VCF-style: chr11-44206898-T-A. GRCh37 (hg19) VCF-style: chr11-44228448-T-A.
Other names: c.1700T>A, p.Val567Asp (NM_000401.3); c.1631T>A, p.Val544Asp (NM_001178083.3); short protein forms V534D, V544D, V567D.
Identifiers: ClinVar variation 1007114 (VCV001007114.9), dbSNP rs1955590072, ClinGen allele CA380181261.